The following is an entry in ClinVar:

ClinVar aggregate classification (germline): Uncertain significance. Review status: criteria provided, multiple submitters, no conflicts (2 of 4 stars). 2 submissions from 2 submitters: Uncertain significance (2). Last evaluated 2023-06-01.

Conditions:
Inborn genetic diseases. Identifiers: MedGen C0950123, MeSH D030342.

Allele frequency attached by ClinVar (database versions not stated): gnomAD exomes 0.00001; gnomAD 0.00002; TOPMed 0.00002.
gnomAD v4.1: 23 of 1,609,240 alleles (0.0014%); highest among the groups gnomAD compares: Non-Finnish European, 0.002%; no homozygotes.

Submissions (2):

Ambry Genetics
Classification: Uncertain significance for Inborn genetic diseases. Last evaluated: 2023-06-01. Review status: criteria provided, single submitter. Criteria: Ambry Variant Classification Scheme 2023. Collection method: clinical testing. Allele origin: germline.

Labcorp Genetics (formerly Invitae), Labcorp
Classification: Uncertain significance. Last evaluated: 2022-06-07. Review status: criteria provided, single submitter. Criteria: Invitae Variant Classification Sherloc (09022015). Collection method: clinical testing. Allele origin: germline.
Comment: This sequence change replaces valine, which is neutral and non-polar, with methionine, which is neutral and non-polar, at codon 723 of the SKIV2L protein (p.Val723Met). This variant is not present in population databases (gnomAD no frequency). This variant has not been reported in the literature in individuals affected with SKIV2L-related conditions. Algorithms developed to predict the effect of missense changes on protein structure and function are either unavailable or do not agree on the potential impact of this missense change (SIFT: "Deleterious"; PolyPhen-2: "Possibly Damaging"; Align-GVGD: "Class C0"). In summary, the available evidence is currently insufficient to determine the role of this variant in disease. Therefore, it has been classified as a Variant of Uncertain Significance.

NM_006929.5(SKIC2):c.2167G>A (p.Val723Met)

Gene: SKIC2 (SKI2 subunit of superkiller complex; plus strand). Cytogenetic location: 6p21.33.
Variant type: single nucleotide variant.
Coding change: c.2167G>A on transcript NM_006929.5 (MANE Select); coding-DNA position 2167, G replaced by A.
Protein change: p.Val723Met; replaces valine 723 with methionine.
Molecular consequence: missense variant.
Genome position (GRCh38, 1-based): chr6:31,965,978, G>A. VCF-style: chr6-31965978-G-A. GRCh37 (hg19) VCF-style: chr6-31933755-G-A.
Other names: c.2167G>A (NM_006929.4); short protein forms V723M.
Identifiers: ClinVar variation 1518760 (VCV001518760.9), dbSNP rs1319870508, ClinGen allele CA363468768.